The following is an entry in ClinVar:

ClinVar aggregate classification (germline): Benign/Likely benign. Review status: criteria provided, multiple submitters, no conflicts (2 of 4 stars). 6 submissions from 6 submitters: Benign (5); Likely benign (1). Last evaluated 2026-02-04.

Conditions:
Susceptibility to respiratory infections associated with CD8alpha chain mutation (IMD116). Also called: Cd8 deficiency, familial; IMMUNODEFICIENCY 116. Identifiers: Orphanet 169085, MedGen C1837065, MONDO:0012161, OMIM 608957.

Allele frequency attached by ClinVar (database versions not stated): 1000 Genomes Project 30x 0.07995; 1000 Genomes Project 0.08207; gnomAD exomes 0.11515 and 0.14376; ExAC 0.11772; gnomAD 0.11893 and 0.12181; TOPMed 0.11898; ESP Exome Variant Server 0.13571.
gnomAD v4.1: 227,051 of 1,613,118 alleles (14%); highest among the groups gnomAD compares: Non-Finnish European, 16%; 17,203 homozygotes.

Submissions (6):

Labcorp Genetics (formerly Invitae), Labcorp
Classification: Benign for Susceptibility to respiratory infections associated with CD8alpha chain mutation. Last evaluated: 2026-02-04. Review status: criteria provided, single submitter. Criteria: Invitae Variant Classification Sherloc (09022015). Collection method: clinical testing. Allele origin: germline.

Women's Health and Genetics/Laboratory Corporation of America, LabCorp
Classification: Benign. Last evaluated: 2026-01-21. Review status: criteria provided, single submitter. Criteria: LabCorp Variant Classification Summary - May 2015. Collection method: clinical testing. Allele origin: germline.

Blueprint Genetics
Classification: Likely benign. Last evaluated: 2024-11-26. Review status: criteria provided, single submitter. Criteria: ACMG Guidelines, 2015. Collection method: clinical testing. Allele origin: germline.

Mayo Clinic Laboratories, Mayo Clinic
Classification: Benign. Last evaluated: 2018-03-21. Review status: criteria provided, single submitter. Criteria: ACMG Guidelines, 2015. Collection method: clinical testing. Allele origin: germline. Observed: 33 variant alleles.

Laboratory for Molecular Medicine, Mass General Brigham Personalized Medicine
Classification: Benign. Last evaluated: 2016-03-28. Review status: criteria provided, single submitter. Criteria: LMM Criteria. Collection method: clinical testing. Allele origin: germline.
Comment: Variant identified in a genome or exome case(s) and assessed due to predicted null impact of the variant or pathogenic assertions in the literature or databases. Disclaimer: This variant has not undergone full assessment. The following are preliminary notes: Frequency

Breakthrough Genomics
Classification: Benign. Review status: criteria provided, single submitter. Criteria: ACMG Guidelines, 2015. Collection method: not provided. Allele origin: germline. Inheritance: Autosomal recessive inheritance. Affected: yes.

NM_001768.7(CD8A):c.565T>C (p.Leu189=)

Gene: CD8A (CD8 subunit alpha; minus strand). Cytogenetic location: 2p11.2.
Variant type: single nucleotide variant.
Coding change: c.565T>C on transcript NM_001768.7 (MANE Select); coding-DNA position 565, T replaced by C.
Protein change: p.Leu189=; no amino-acid change (leucine 189 retained).
Molecular consequence: synonymous variant. On other transcripts: non-coding transcript variant (2), intron variant (1).
Genome position (GRCh38, 1-based): chr2:86,789,383, A>G on the plus strand (T>C on the coding strand, the complement: CD8A is on the minus strand). VCF-style: chr2-86789383-A-G. GRCh37 (hg19) VCF-style: chr2-87016506-A-G.
Other names: p.Leu189=; c.565T>C, p.Leu189= (NM_001145873.1, NM_001382698.1); c.565T>C (NM_001768.6); c.514+257T>C (NM_171827.4).
Identifiers: ClinVar variation 402521 (VCV000402521.17), dbSNP rs3020726, ClinGen allele CA1751147.